The following is an entry in ClinVar:

ClinVar aggregate classification (germline): Uncertain significance. Review status: criteria provided, multiple submitters, no conflicts (2 of 4 stars). 2 submissions from 2 submitters: Uncertain significance (2). Last evaluated 2026-01-13.

Conditions:
Autosomal recessive limb-girdle muscular dystrophy. Identifiers: Orphanet 102015, MedGen C2931907, MONDO:0015152.
Neuromuscular disease caused by qualitative or quantitative defects of dysferlin. Also called: Qualitative or quantitative defects of dysferlin; Dysferlinopathy. Identifiers: Orphanet 207073, MedGen C2931687, MONDO:0016145.

gnomAD v4.1: 5 of 1,614,000 alleles (0.00031%); highest among the groups gnomAD compares: South Asian, 0.0011%; no homozygotes.

Submissions (2):

Myriad Genetics, Inc.
Classification: Uncertain significance for Autosomal recessive limb-girdle muscular dystrophy. Last evaluated: 2026-01-13. Review status: criteria provided, single submitter. Criteria: Myriad Autosomal Dominant, Autosomal Recessive and X-Linked Classification Criteria (2023). Collection method: clinical testing. Allele origin: unknown.
Comment: NM_003494.3(DYSF):c.5672C>A(A1891D) is a missense variant classified as a variant of uncertain significance in the context of dysferlinopathy. A1891D has been observed in a case with relevant disease (PMID: 39678382). Relevant functional assessments of this variant are not available in the literature. A1891D has been observed in referenced population frequency databases. In summary, there is insufficient evidence to classify NM_003494.3(DYSF):c.5672C>A(A1891D) as pathogenic or benign. Please note: this variant was assessed in the context of healthy population screening.

Labcorp Genetics (formerly Invitae), Labcorp
Classification: Uncertain significance for Neuromuscular disease caused by qualitative or quantitative defects of dysferlin. Last evaluated: 2022-03-18. Review status: criteria provided, single submitter. Criteria: Invitae Variant Classification Sherloc (09022015). Collection method: clinical testing. Allele origin: germline.
Comment: This sequence change replaces alanine, which is neutral and non-polar, with aspartic acid, which is acidic and polar, at codon 1891 of the DYSF protein (p.Ala1891Asp). This variant is present in population databases (no rsID available, gnomAD 0.003%). This variant has not been reported in the literature in individuals affected with DYSF-related conditions. Advanced modeling of protein sequence and biophysical properties (such as structural, functional, and spatial information, amino acid conservation, physicochemical variation, residue mobility, and thermodynamic stability) performed at Invitae indicates that this missense variant is not expected to disrupt DYSF protein function. In summary, the available evidence is currently insufficient to determine the role of this variant in disease. Therefore, it has been classified as a Variant of Uncertain Significance.

Literature cited by the submitters: PubMed 39678382 (cited by Myriad Genetics, Inc.).

NM_001130987.2(DYSF):c.5789C>A (p.Ala1930Asp)

Gene: DYSF (dysferlin; plus strand). Cytogenetic location: 2p13.2.
Variant type: single nucleotide variant.
Coding change: c.5789C>A on transcript NM_001130987.2 (MANE Select); coding-DNA position 5789, C replaced by A.
Protein change: p.Ala1930Asp; replaces alanine 1930 with aspartic acid.
Molecular consequence: missense variant.
Genome position (GRCh38, 1-based): chr2:71,674,201, C>A. VCF-style: chr2-71674201-C-A. GRCh37 (hg19) VCF-style: chr2-71901331-C-A.
Other names: c.5675C>A, p.Ala1892Asp (NM_001130455.2); c.5630C>A, p.Ala1877Asp (NM_001130976.2); c.5693C>A, p.Ala1898Asp (NM_001130977.2); c.5735C>A, p.Ala1912Asp (NM_001130978.2); c.5765C>A, p.Ala1922Asp (NM_001130979.2); c.5723C>A, p.Ala1908Asp (NM_001130980.2); c.5786C>A, p.Ala1929Asp (NM_001130981.2); c.5768C>A, p.Ala1923Asp (NM_001130982.2); and 5 more; short protein forms A1899D, A1878D, A1898D, A1908D, A1922D, A1923D, A1930D, A1877D.
Identifiers: ClinVar variation 2112489 (VCV002112489.2), dbSNP rs1346535569, ClinGen allele CA347224864.